The following is an entry in ClinVar:

ClinVar aggregate classification (germline): Likely benign (1 of 4 stars; one submission).

Allele frequency attached by ClinVar (database versions not stated): gnomAD 0.00001 and 0.00003; TOPMed 0.00002.
gnomAD v4.1: 4 of 152,616 alleles (0.0026%); highest among the groups gnomAD compares: Non-Finnish European, 0.0058%; no homozygotes.

Submission:

GeneDx
Classification: Likely benign. Last evaluated: 2018-01-17. Review status: criteria provided, single submitter. Criteria: GeneDx Variant Classification (06012015). Collection method: clinical testing. Allele origin: germline. Affected: yes.
Comment: This variant is considered likely benign or benign based on one or more of the following criteria: it is a conservative change, it occurs at a poorly conserved position in the protein, it is predicted to be benign by multiple in silico algorithms, and/or has population frequency not consistent with disease.

NM_002241.5(KCNJ10):c.-1+11G>A

Gene: KCNJ10 (potassium inwardly rectifying channel subfamily J member 10; minus strand). Cytogenetic location: 1q23.2.
Variant type: single nucleotide variant.
Coding change: c.-1+11G>A on transcript NM_002241.5 (MANE Select); 11 bases into the intron after 1 bases upstream of the start codon, G replaced by A.
Molecular consequence: intron variant.
Genome position (GRCh38, 1-based): chr1:160,070,011, C>T on the plus strand (G>A on the coding strand, the complement: KCNJ10 is on the minus strand). VCF-style: chr1-160070011-C-T. GRCh37 (hg19) VCF-style: chr1-160039801-C-T.
Identifiers: ClinVar variation 514714 (VCV000514714.1), dbSNP rs765287915, ClinGen allele CA31494520.